The following is an entry in ClinVar:

NM_000214.3(JAG1):c.850T>A (p.Cys284Ser)

Gene: JAG1 (jagged canonical Notch ligand 1; minus strand). Cytogenetic location: 20p12.2.
Variant type: single nucleotide variant.
Coding change: c.850T>A on transcript NM_000214.3 (MANE Select); coding-DNA position 850, T replaced by A.
Protein change: p.Cys284Ser; replaces cysteine 284 with serine.
Molecular consequence: missense variant.
Genome position (GRCh38, 1-based): chr20:10,652,504, A>T on the plus strand (T>A on the coding strand, the complement: JAG1 is on the minus strand). VCF-style: chr20-10652504-A-T. GRCh37 (hg19) VCF-style: chr20-10633152-A-T.
Other names: short protein forms C284S.
Identifiers: ClinVar variation 3573140 (VCV003573140.2).

Conditions:
Arteriohepatic dysplasia. Also called: Alagille Syndrome. Identifiers: Orphanet 52, MedGen C0085280, MeSH D016738, MONDO:0007318.

Submission:

Gilbert/Spinner Lab, Children's Hospital of Philadelphia
No classification provided (evidence only). Condition: Alagille syndrome. Review status: no classification provided. Collection method: research. Allele origin: not applicable. Functional consequence: functionally_abnormal.
ClinVar note: "not provided" was previously submitted as the classification for the variant. However, the classification appeared to be based only on an observation of functional data so it was converted to no classification on 2025-07-30.